The following is an entry in ClinVar:

ClinVar aggregate classification (germline): Uncertain significance (1 of 4 stars; one submission).

Conditions:
Charcot-Marie-Tooth disease type 2. Also called: Charcot-Marie-Tooth type 2. Identifiers: Orphanet 64746, MedGen C0270914, MONDO:0018993.

Submission:

Labcorp Genetics (formerly Invitae), Labcorp
Classification: Uncertain significance for Charcot-Marie-Tooth disease type 2. Last evaluated: 2022-10-09. Review status: criteria provided, single submitter. Criteria: Invitae Variant Classification Sherloc (09022015). Collection method: clinical testing. Allele origin: germline.
Comment: In summary, the available evidence is currently insufficient to determine the role of this variant in disease. Therefore, it has been classified as a Variant of Uncertain Significance. Advanced modeling of protein sequence and biophysical properties (such as structural, functional, and spatial information, amino acid conservation, physicochemical variation, residue mobility, and thermodynamic stability) has been performed at Invitae for this missense variant, however the output from this modeling did not meet the statistical confidence thresholds required to predict the impact of this variant on AARS protein function. This variant has not been reported in the literature in individuals affected with AARS-related conditions. This variant is not present in population databases (gnomAD no frequency). This sequence change replaces aspartic acid, which is acidic and polar, with alanine, which is neutral and non-polar, at codon 208 of the AARS protein (p.Asp208Ala).

NM_001605.3(AARS1):c.623A>C (p.Asp208Ala)

Gene: AARS1 (alanyl-tRNA synthetase 1; minus strand). Cytogenetic location: 16q22.1.
Variant type: single nucleotide variant.
Coding change: c.623A>C on transcript NM_001605.3 (MANE Select); coding-DNA position 623, A replaced by C.
Protein change: p.Asp208Ala; replaces aspartic acid 208 with alanine.
Molecular consequence: missense variant.
Genome position (GRCh38, 1-based): chr16:70,271,829, T>G on the plus strand (A>C on the coding strand, the complement: AARS1 is on the minus strand). VCF-style: chr16-70271829-T-G. GRCh37 (hg19) VCF-style: chr16-70305732-T-G.
Other names: short protein forms D208A.
Identifiers: ClinVar variation 2127926 (VCV002127926.4), dbSNP rs2507020617, ClinGen allele CA396566568.